The following is an entry in ClinVar:

ClinVar aggregate classification (germline): Conflicting classifications of pathogenicity. Review status: criteria provided, conflicting classifications (1 of 4 stars). 3 submissions from 3 submitters: Uncertain significance (2); Benign (1). Last evaluated 2023-11-24.

Conditions:
Hereditary cancer-predisposing syndrome. Also called: Tumor predisposition; Hereditary Cancer Syndrome; Neoplastic Syndromes, Hereditary; Hereditary neoplastic syndrome. Identifiers: Orphanet 140162, MedGen C0027672, MeSH D009386, MONDO:0015356.
Ovarian cancer. Also called: OVARIAN CANCER, SOMATIC. Identifiers: Orphanet 213500, MedGen C1140680, MONDO:0008170, OMIM 167000.
Renal cell carcinoma. Identifiers: Orphanet 217071, MedGen C0007134, MeSH D002292, MONDO:0005086, HP:0005584.

Allele frequency attached by ClinVar (database versions not stated): TOPMed below 0.00001; gnomAD 0.00001.
gnomAD v4.1: 1 of 1,614,092 alleles (0.000062%); highest among the groups gnomAD compares: East Asian, 0.0022%; no homozygotes.

Submissions (3):

Labcorp Genetics (formerly Invitae), Labcorp
Classification: Uncertain significance for Renal cell carcinoma. Last evaluated: 2023-11-24. Review status: criteria provided, single submitter. Criteria: Invitae Variant Classification Sherloc (09022015). Collection method: clinical testing. Allele origin: germline.
Comment: This sequence change replaces valine, which is neutral and non-polar, with alanine, which is neutral and non-polar, at codon 1069 of the MET protein (p.Val1069Ala). This variant is not present in population databases (gnomAD no frequency). This variant has not been reported in the literature in individuals affected with MET-related conditions. ClinVar contains an entry for this variant (Variation ID: 823187). An algorithm developed to predict the effect of missense changes on protein structure and function (PolyPhen-2) suggests that this variant is likely to be tolerated. In summary, the available evidence is currently insufficient to determine the role of this variant in disease. Therefore, it has been classified as a Variant of Uncertain Significance.

Ambry Genetics
Classification: Uncertain significance for Hereditary cancer-predisposing syndrome. Last evaluated: 2023-09-12. Review status: criteria provided, single submitter. Criteria: Ambry Variant Classification Scheme 2023. Collection method: clinical testing. Allele origin: germline.
Comment: The p.V1069A variant (also known as c.3206T>C), located in coding exon 14 of the MET gene, results from a T to C substitution at nucleotide position 3206. The valine at codon 1069 is replaced by alanine, an amino acid with similar properties. This amino acid position is highly conserved in available vertebrate species. In addition, the in silico prediction for this alteration is inconclusive. Since supporting evidence is limited at this time, the clinical significance of this alteration remains unclear.

Laboratory of Molecular Epidemiology of Birth Defects, West China Second University Hospital, Sichuan University
Classification: Benign for Ovarian cancer. Last evaluated: 2022-01-01. Review status: criteria provided, single submitter. Criteria: ACMG Guidelines, 2015. Collection method: clinical testing. Allele origin: germline. Affected: yes.

NM_000245.4(MET):c.3152T>C (p.Val1051Ala)

Gene: MET (MET proto-oncogene, receptor tyrosine kinase; plus strand). Cytogenetic location: 7q31.2.
Variant type: single nucleotide variant.
Coding change: c.3152T>C on transcript NM_000245.4 (MANE Select); coding-DNA position 3152, T replaced by C.
Protein change: p.Val1051Ala; replaces valine 1051 with alanine.
Molecular consequence: missense variant.
Genome position (GRCh38, 1-based): chr7:116,775,004, T>C. VCF-style: chr7-116775004-T-C. GRCh37 (hg19) VCF-style: chr7-116415058-T-C.
Other names: c.3206T>C, p.Val1069Ala (NM_001127500.3); c.1862T>C, p.Val621Ala (NM_001324402.2); c.3206T>C (NM_001127500.2); short protein forms V1069A, V1051A, V621A.
Identifiers: ClinVar variation 823187 (VCV000823187.16), dbSNP rs1319458719, ClinGen allele CA368988370.
Genomic context (GRCh38, chr7:116,775,004, plus strand): 5'-TGTCCCCCATCCTAACTAGTGGGGACTCTGATATATCCAGTCCATTACTGCAAAATACTG[T>C]CCACATTGACCTCAGTGCTCTAAATCCAGAGCTGGTCCAGGCAGTGCAGCATGTAGTGAT-3'
Protein context (NP_000236.2, residues 1041-1061): DISSPLLQNT[Val1051Ala]HIDLSALNPE